The following is an entry in ClinVar:

NM_018671.5(UNC45A):c.785A>G (p.Gln262Arg)

Gene: UNC45A (unc-45 myosin chaperone A; plus strand). Cytogenetic location: 15q26.1.
Variant type: single nucleotide variant.
Coding change: c.785A>G on transcript NM_018671.5 (MANE Select); coding-DNA position 785, A replaced by G.
Protein change: p.Gln262Arg; replaces glutamine 262 with arginine.
Molecular consequence: missense variant.
Genome position (GRCh38, 1-based): chr15:90,942,534, A>G. VCF-style: chr15-90942534-A-G. GRCh37 (hg19) VCF-style: chr15-91485764-A-G.
Other names: c.740A>G, p.Gln247Arg (NM_001039675.2, NM_001323621.2); c.785A>G, p.Gln262Arg (NM_001323619.1); c.350A>G, p.Gln117Arg (NM_001323620.2); short protein forms Q117R, Q247R, Q262R.
Identifiers: ClinVar variation 1690547 (VCV001690547.2), dbSNP rs2151362211, ClinGen allele CA393852475.

ClinVar aggregate classification (germline): Uncertain significance (1 of 4 stars; one submission).

gnomAD v4.1: 1 of 1,614,176 alleles (0.000062%); highest among the groups gnomAD compares: Non-Finnish European, 0.000085%; no homozygotes.

Submission:

Laboratorio de Genetica e Diagnostico Molecular, Hospital Israelita Albert Einstein
Classification: Uncertain significance. Last evaluated: 2022-01-18. Review status: criteria provided, single submitter. Criteria: ACMG Guidelines, 2015. Collection method: clinical testing. Allele origin: germline. Affected: yes.
Comment: ACMG classification criteria: PM2, BP4